The following is an entry in ClinVar:

NM_080680.3(COL11A2):c.2637T>C (p.Pro879=)

Gene: COL11A2 (collagen type XI alpha 2 chain; minus strand). Cytogenetic location: 6p21.32.
Variant type: single nucleotide variant.
Coding change: c.2637T>C on transcript NM_080680.3 (MANE Select); coding-DNA position 2637, T replaced by C.
Protein change: p.Pro879=; no amino-acid change (proline 879 retained).
Molecular consequence: synonymous variant.
Genome position (GRCh38, 1-based): chr6:33,173,547, A>G on the plus strand (T>C on the coding strand, the complement: COL11A2 is on the minus strand). VCF-style: chr6-33173547-A-G. GRCh37 (hg19) VCF-style: chr6-33141324-A-G.
Other names: c.2316T>C, p.Pro772= (NM_080679.3); c.2379T>C, p.Pro793= (NM_080681.3); c.2637T>C (NM_080680.2).
Identifiers: ClinVar variation 597024 (VCV000597024.14), dbSNP rs199677738, ClinGen allele CA3750789.
Genomic context (GRCh38, chr6:33,173,547, plus strand): 5'-TCGGGGTCAACTTACCGGGGGTCCTTTCGGTCCAGGAAACCCGTTGGGACCCTGAGGTCC[A>G]GGGAGGCCCTAGAGACAGAGGTGGGGGGAGTCAGGAGAATGGGGGCAGGGGCTGAGTGGG-3'
Protein context (NP_542411.2, residues 869-889): PHGPPGERGL[Pro879=]GPQGPNGFPG

ClinVar aggregate classification (germline): Conflicting classifications of pathogenicity. Review status: criteria provided, conflicting classifications (1 of 4 stars). 3 submissions from 3 submitters: Uncertain significance (1); Likely benign (1). 1 of the submissions does not count toward it. Last evaluated 2025-04-02.

Conditions:
COL11A2-related disorder. Also called: COL11A2-related disorders; COL11A2-related condition.

Allele frequency attached by ClinVar (database versions not stated): gnomAD exomes 0.00001 and 0.00002; ExAC 0.00003; gnomAD 0.00002; 1000 Genomes Project 30x 0.00016.
gnomAD v4.1: 15 of 1,488,128 alleles (0.001%); highest among the groups gnomAD compares: Middle Eastern, 0.019%; no homozygotes.

Submissions (3):

Labcorp Genetics (formerly Invitae), Labcorp
Classification: Likely benign. Last evaluated: 2025-04-02. Review status: criteria provided, single submitter. Criteria: Invitae Variant Classification Sherloc (09022015). Collection method: clinical testing. Allele origin: germline.

Eurofins Ntd Llc (ga)
Classification: Uncertain significance. Last evaluated: 2018-05-21. Review status: criteria provided, single submitter. Criteria: EGL ClinVar v180209 classification definitions. Collection method: clinical testing. Allele origin: germline. Observed: 1 variant allele, 1 heterozygote.

PreventionGenetics, part of Exact Sciences
Classification: Likely benign for COL11A2-related condition. Last evaluated: 2019-02-21. Review status: no assertion criteria provided. Collection method: clinical testing. Allele origin: germline. Not counted in ClinVar's aggregate classification.
Comment: This variant is classified as likely benign based on ACMG/AMP sequence variant interpretation guidelines (Richards et al. 2015 PMID: 25741868, with internal and published modifications).